The following is an entry in ClinVar:

NM_004356.4(CD81):c.298A>G (p.Ile100Val)

Genes: CD81 (CD81 molecule; plus strand), LOC130005139 (ATAC-STARR-seq lymphoblastoid active region 4300; plus strand). Cytogenetic location: 11p15.5.
Variant type: single nucleotide variant.
Coding change: c.298A>G on transcript NM_004356.4 (MANE Select); coding-DNA position 298, A replaced by G.
Protein change: p.Ile100Val; replaces isoleucine 100 with valine.
Molecular consequence: missense variant.
Genome position (GRCh38, 1-based): chr11:2,394,990, A>G. VCF-style: chr11-2394990-A-G. GRCh37 (hg19) VCF-style: chr11-2416220-A-G.
Other names: c.85A>G, p.Ile29Val (NM_001297649.2, NM_001425129.1, NM_001425130.1 and 4 more transcripts); c.421A>G, p.Ile141Val (NM_001425135.1); c.298A>G, p.Ile100Val (NM_001425137.1); short protein forms I141V, I29V, I100V.
Identifiers: ClinVar variation 3651858 (VCV003651858.2).
Genomic context (GRCh38, chr11:2,394,990, plus strand): 5'-AGCCTGCCCTCTTTCCTCCCTCTGGCCACTGCCCGGCTCCAGTTCTTCACCTGCCTGGTC[A>G]TCCTGTTTGCCTGTGAGGTGGCCGCCGGCATCTGGGGCTTTGTCAACAAGGACCAGGTGA-3'
Protein context (NP_004347.1, residues 90-110): LLGTFFTCLV[Ile100Val]LFACEVAAGI

ClinVar aggregate classification (germline): Uncertain significance (1 of 4 stars; one submission).

Submission:

Labcorp Genetics (formerly Invitae), Labcorp
Classification: Uncertain significance. Last evaluated: 2024-06-24. Review status: criteria provided, single submitter. Criteria: Invitae Variant Classification Sherloc (09022015). Collection method: clinical testing. Allele origin: germline.
Comment: This sequence change replaces isoleucine, which is neutral and non-polar, with valine, which is neutral and non-polar, at codon 100 of the CD81 protein (p.Ile100Val). This variant is not present in population databases (gnomAD no frequency). This variant has not been reported in the literature in individuals affected with CD81-related conditions. An algorithm developed to predict the effect of missense changes on protein structure and function (PolyPhen-2) suggests that this variant is likely to be tolerated. In summary, the available evidence is currently insufficient to determine the role of this variant in disease. Therefore, it has been classified as a Variant of Uncertain Significance.